The following is an entry in ClinVar:

NM_000051.4(ATM):c.2251-1G>C

Gene: ATM (ATM serine/threonine kinase; plus strand). Cytogenetic location: 11q22.3.
Variant type: single nucleotide variant.
Coding change: c.2251-1G>C on transcript NM_000051.4 (MANE Select); the canonical splice acceptor site of the intron before coding-DNA position 2251, G replaced by C.
Molecular consequence: splice acceptor variant.
Genome position (GRCh38, 1-based): chr11:108,257,480, G>C. VCF-style: chr11-108257480-G-C. GRCh37 (hg19) VCF-style: chr11-108128207-G-C.
Other names: c.2251-1G>C (NM_001351834.2).
Identifiers: ClinVar variation 232343 (VCV000232343.15), dbSNP rs876659710, ClinGen allele CA10579044.

ClinVar aggregate classification (germline): Pathogenic/Likely pathogenic. Review status: criteria provided, multiple submitters, no conflicts (2 of 4 stars). 3 submissions from 3 submitters: Pathogenic (1); Likely pathogenic (2). Last evaluated 2024-01-17.

Conditions:
Ataxia-telangiectasia syndrome (AT). Also called: Ataxia telangiectasia (A-T); Ataxia-telangiectasia, complementation group E; LOUIS-BAR SYNDROME; Cerebello-oculocutaneous telangiectasia; Immunodeficiency with ataxia telangiectasia; Ataxia-telangiectasia, complementation group D. Identifiers: Orphanet 100, MedGen C0004135, MONDO:0008840, OMIM 208900.
Hereditary cancer-predisposing syndrome. Also called: Hereditary Cancer Syndrome; Neoplastic Syndromes, Hereditary; Tumor predisposition; Hereditary neoplastic syndrome. Identifiers: Orphanet 140162, MedGen C0027672, MeSH D009386, MONDO:0015356.
Familial cancer of breast. Also called: Hereditary breast cancer; hereditary breast carcinoma; BREAST CANCER, FAMILIAL. Identifiers: Orphanet 227535, MedGen C0346153, MONDO:0016419, OMIM 114480. Disease mechanism: loss of function.

Allele frequency attached by ClinVar (database versions not stated): gnomAD exomes below 0.00001.
gnomAD v4.1: 1 of 1,612,552 alleles (0.000062%); highest among the groups gnomAD compares: Non-Finnish European, 0.000085%; no homozygotes.

Submissions (3):

Myriad Genetics, Inc.
Classification: Likely pathogenic for Familial cancer of breast. Last evaluated: 2024-01-17. Review status: criteria provided, single submitter. Criteria: Myriad Autosomal Dominant, Autosomal Recessive and X-Linked Classification Criteria (2023). Collection method: clinical testing. Allele origin: unknown.
Comment: This variant is considered likely pathogenic. This variant occurs within a consensus splice junction and is predicted to result in abnormal mRNA splicing of either an out-of-frame exon or an in-frame exon necessary for protein stability and/or normal function. mRNA analysis has demonstrated abnormal mRNA splicing occurs [Myriad internal data, PMID: 8808599, 9872980].

Labcorp Genetics (formerly Invitae), Labcorp
Classification: Pathogenic for Ataxia-telangiectasia syndrome. Last evaluated: 2022-12-01. Review status: criteria provided, single submitter. Criteria: Invitae Variant Classification Sherloc (09022015). Collection method: clinical testing. Allele origin: germline.
Comment: Algorithms developed to predict the effect of sequence changes on RNA splicing suggest that this variant may disrupt the consensus splice site. For these reasons, this variant has been classified as Pathogenic. This variant disrupts the c.2251-1G nucleotide in the ATM gene. Other variant(s) that disrupt this nucleotide have been determined to be pathogenic (PMID: 8808599, 9872980). This suggests that this nucleotide is clinically significant, and that variants that disrupt this position are likely to be disease-causing. ClinVar contains an entry for this variant (Variation ID: 232343). This variant has not been reported in the literature in individuals affected with ATM-related conditions. This variant is not present in population databases (gnomAD no frequency). This sequence change affects an acceptor splice site in intron 14 of the ATM gene. It is expected to disrupt RNA splicing. Variants that disrupt the donor or acceptor splice site typically lead to a loss of protein function (PMID: 16199547), and loss-of-function variants in ATM are known to be pathogenic (PMID: 23807571, 25614872).

Ambry Genetics
Classification: Likely pathogenic for Hereditary cancer-predisposing syndrome. Last evaluated: 2015-06-19. Review status: criteria provided, single submitter. Criteria: Ambry Variant Classification Scheme 2023. Collection method: clinical testing. Allele origin: germline.
Comment: The c.2251-1G>C intronic variant, results from a G to C substitution one nucleotide upstream from coding exon 14 of the ATM gene. This variant was not reported in population based cohorts in the following databases: Database of Single Nucleotide Polymorphisms (dbSNP), NHLBI Exome Sequencing Project (ESP), and 1000 Genomes Project. In the ESP, this variant was not observed in 6499 samples (12998 alleles) with coverage at this position. To date, this alteration has been detected with an allele frequency of approximately 0.001% (greater than 125000 alleles tested) in our clinical cohort. This nucleotide position is highly conserved in available vertebrate species. Using the BDGP and ESEfinder splice site prediction tools, this alteration is predicted to abolish the native acceptor splice site; however, direct evidence is unavailable. Another nucleotide change at the same position, c.2251-1G>A, has been reported in a series of patients with ataxia-telangiectasia (Wright J et al. Am. J. Hum. Genet. 1996 Oct; 59(4):839-46; Hacia JG et al. Genome Res.1998 Dec; 8(12):1245-58). Alterations that disrupt the canonical splice acceptor site are typically deleterious in nature (ACMG Recommendations for Standards for Interpretation and Reporting of Sequence Variations. Revision 2007. Genet Med. 2008;10:294). As such, the c.2251-1G>C variant is classified as likely pathogenic.

Literature cited by the submitters: PubMed 8808599 (cited by 3 submitters); PubMed 9872980 (cited by 3 submitters); PubMed 16199547 (cited by Labcorp Genetics (formerly Invitae), Labcorp); PubMed 23807571 (cited by Labcorp Genetics (formerly Invitae), Labcorp); PubMed 25614872 (cited by Labcorp Genetics (formerly Invitae), Labcorp).